The following is an entry in ClinVar:

NM_024529.5(CDC73):c.685_688del (p.Arg229fs)

Gene: CDC73 (cell division cycle 73; plus strand). Cytogenetic location: 1q31.2.
Variant type: Microsatellite.
Coding change: c.685_688del on transcript NM_024529.5 (MANE Select); coding-DNA positions 685 to 688, 4 bases deleted (AGAG; older notation c.685_688delAGAG).
Protein change: p.Arg229fs; shifts the reading frame from arginine 229.
Molecular consequence: frameshift variant.
Genome position (GRCh38, 1-based): chr1:193,142,022-193,142,025, AGAG deleted; deleting any 4 consecutive bases within chr1:193,142,016-193,142,025 gives the same sequence; the c. name uses the placement nearest the transcript's 3' end. VCF-style (leftmost placement, unchanged base first): chr1-193142015-CAGAG-C. GRCh37 (hg19) VCF-style: chr1-193111145-CAGAG-C.
Other names: c.685_688delAGAG (NM_024529.4); short protein forms R229fs.
Identifiers: ClinVar variation 3278 (VCV000003278.2), dbSNP rs760591174, ClinGen allele CA1303430.

ClinVar aggregate classification (germline): Pathogenic. Review status: criteria provided, single submitter (1 of 4 stars). 3 submissions from 2 submitters: Pathogenic (1). 2 of the submissions do not count toward it. Last evaluated 2025-07-08.

Conditions:
Parathyroid carcinoma (PRTC). Also called: CDC73-Related Parathyroid Carcinoma; Parathyroid gland carcinoma. Identifiers: Orphanet 143, MedGen C0687150, MONDO:0012004, OMIM 608266, HP:0006780.
Parathyroid gland adenoma. Also called: Parathyroid adenoma. Identifiers: MedGen C0262587, MONDO:0006890, HP:0002897.

Submissions (3):

Labcorp Genetics (formerly Invitae), Labcorp
Classification: Pathogenic for Parathyroid carcinoma. Last evaluated: 2025-07-08. Review status: criteria provided, single submitter. Criteria: Invitae Variant Classification Sherloc (09022015). Collection method: clinical testing. Allele origin: germline.
Comment: This sequence change creates a premature translational stop signal (p.Arg229Tyrfs*27) in the CDC73 gene. It is expected to result in an absent or disrupted protein product. Loss-of-function variants in CDC73 are known to be pathogenic (PMID: 12434154). This variant is not present in population databases (gnomAD no frequency). This premature translational stop signal has been observed in individual(s) with hyperparathyroidism and/or parathyroid cancer (PMID: 16720667, 22987117, 32590342). For these reasons, this variant has been classified as Pathogenic.

OMIM
Classification: Pathogenic for PARATHYROID ADENOMA. Last evaluated: 2006-08-01. Review status: no assertion criteria provided. Collection method: literature only. Allele origin: germline. Not counted in ClinVar's aggregate classification.

OMIM
Classification: Pathogenic for PARATHYROID CARCINOMA. Last evaluated: 2006-08-01. Review status: no assertion criteria provided. Collection method: literature only. Allele origin: germline. Not counted in ClinVar's aggregate classification.

Literature cited by the submitters: PubMed 12434154 (cited by Labcorp Genetics (formerly Invitae), Labcorp); PubMed 16720667 (cited by Labcorp Genetics (formerly Invitae), Labcorp and OMIM); PubMed 22987117 (cited by Labcorp Genetics (formerly Invitae), Labcorp); PubMed 32590342 (cited by Labcorp Genetics (formerly Invitae), Labcorp).